The following is an entry in ClinVar:

NM_001018115.3(FANCD2):c.1918C>G (p.Gln640Glu)

Genes: FANCD2 (FA complementation group D2; plus strand), LOC107303338 (3p25 FANCD2 Alu-mediated recombination region; plus strand). Cytogenetic location: 3p25.3.
Variant type: single nucleotide variant.
Coding change: c.1918C>G on transcript NM_001018115.3 (MANE Select); coding-DNA position 1918, C replaced by G.
Protein change: p.Gln640Glu; replaces glutamine 640 with glutamic acid.
Molecular consequence: missense variant.
Genome position (GRCh38, 1-based): chr3:10,063,882, C>G. VCF-style: chr3-10063882-C-G. GRCh37 (hg19) VCF-style: chr3-10105566-C-G.
Other names: c.1918C>G, p.Gln640Glu (NM_001319984.2, NM_001374254.1, NM_033084.6); c.1807C>G, p.Gln603Glu (NM_001374253.1); short protein forms Q603E, Q640E.
Identifiers: ClinVar variation 3614099 (VCV003614099.2).
Genomic context (GRCh38, chr3:10,063,882, plus strand): 5'-TGCAGTGAGCAGTCTCCTCAGGCCTCTGCACTTTACTATGATGAATTTGCCAACCTGATC[C>G]AACATGAAAAGCTGGATCCAAAAGCCCTGGTAAAGCCAATTGTCTTTTCTTAAAGCAATA-3'
Protein context (NP_001018125.1, residues 630-650): LYYDEFANLI[Gln640Glu]HEKLDPKALE

ClinVar aggregate classification (germline): Uncertain significance (1 of 4 stars; one submission).

Conditions:
Fanconi anemia (FA). Also called: Fanconi's anemia. Identifiers: Orphanet 84, MedGen C0015625, MeSH D005199, MONDO:0019391.

Submission:

Labcorp Genetics (formerly Invitae), Labcorp
Classification: Uncertain significance for Fanconi anemia. Last evaluated: 2024-02-15. Review status: criteria provided, single submitter. Criteria: Invitae Variant Classification Sherloc (09022015). Collection method: clinical testing. Allele origin: germline.
Comment: This sequence change replaces glutamine, which is neutral and polar, with glutamic acid, which is acidic and polar, at codon 640 of the FANCD2 protein (p.Gln640Glu). This variant is not present in population databases (gnomAD no frequency). This variant has not been reported in the literature in individuals affected with FANCD2-related conditions. Advanced modeling of protein sequence and biophysical properties (such as structural, functional, and spatial information, amino acid conservation, physicochemical variation, residue mobility, and thermodynamic stability) performed at Invitae indicates that this missense variant is not expected to disrupt FANCD2 protein function with a negative predictive value of 80%. In summary, the available evidence is currently insufficient to determine the role of this variant in disease. Therefore, it has been classified as a Variant of Uncertain Significance.